The following is an entry in ClinVar:

NM_006662.3(SRCAP):c.2309G>A (p.Arg770His)

Gene: SRCAP (Snf2 related CREBBP activator protein; plus strand). Cytogenetic location: 16p11.2.
Variant type: single nucleotide variant.
Coding change: c.2309G>A on transcript NM_006662.3 (MANE Select); coding-DNA position 2309, G replaced by A.
Protein change: p.Arg770His; replaces arginine 770 with histidine.
Molecular consequence: missense variant.
Genome position (GRCh38, 1-based): chr16:30,713,527, G>A. VCF-style: chr16-30713527-G-A. GRCh37 (hg19) VCF-style: chr16-30724848-G-A.
Other names: short protein forms R770H.
Identifiers: ClinVar variation 423447 (VCV000423447.2), dbSNP rs1064796432, ClinGen allele CA16620191.

ClinVar aggregate classification (germline): Uncertain significance (1 of 4 stars; one submission).

Submission:

GeneDx
Classification: Uncertain significance. Last evaluated: 2017-02-15. Review status: criteria provided, single submitter. Criteria: GeneDx Variant Classification (06012015). Collection method: clinical testing. Allele origin: germline. Affected: yes.
Comment: The R770H variant in the SRCAP gene has not been reported previously as a pathogenic variant, nor as a benign variant, to our knowledge. The R770H variant is not observed in large population cohorts (Lek et al., 2016; 1000 Genomes Consortium et al., 2015; Exome Variant Server). The R770H variant is a conservative amino acid substitution, which is not likely to impact secondary protein structure as these residues share similar properties. This substitution occurs at a position that is conserved across species. In silico analysis predicts this variant is probably damaging to the protein structure/function. We interpret R770H as a variant of uncertain significance.